The following is an entry in ClinVar:

ClinVar aggregate classification (germline): Uncertain significance (1 of 4 stars; one submission).

Conditions:
SEMA3C-related disorder. Also called: SEMA3C-related condition.

gnomAD v4.1: 1 of 1,613,744 alleles (0.000062%); no homozygotes.

Submission:

PreventionGenetics, part of Exact Sciences
Classification: Uncertain significance for SEMA3C-related condition. Last evaluated: 2025-04-08. Review status: criteria provided, single submitter. Criteria: ACMG Guidelines, 2015. Collection method: clinical testing. Allele origin: germline.
Comment: The SEMA3C c.1919T>C variant is predicted to result in the amino acid substitution p.Ile640Thr. To our knowledge, this variant has not been reported in the literature or in a large population database (gnomAD), indicating this variant is rare. At this time, the clinical significance of this variant is uncertain due to the absence of conclusive functional and genetic evidence.

NM_006379.5(SEMA3C):c.1865T>C (p.Ile622Thr)

Gene: SEMA3C (semaphorin 3C; minus strand). Cytogenetic location: 7q21.11.
Variant type: single nucleotide variant.
Coding change: c.1865T>C on transcript NM_006379.5 (MANE Select); coding-DNA position 1865, T replaced by C.
Protein change: p.Ile622Thr; replaces isoleucine 622 with threonine.
Molecular consequence: missense variant.
Genome position (GRCh38, 1-based): chr7:80,745,285, A>G on the plus strand (T>C on the coding strand, the complement: SEMA3C is on the minus strand). VCF-style: chr7-80745285-A-G. GRCh37 (hg19) VCF-style: chr7-80374601-A-G.
Other names: c.1919T>C, p.Ile640Thr (NM_001350120.2); c.1691T>C, p.Ile564Thr (NM_001350121.2); short protein forms I640T, I564T, I622T.
Identifiers: ClinVar variation 4999599 (VCV004999599.1).